The following is an entry in ClinVar:

NM_004663.5(RAB11A):c.265T>C (p.Leu89=)

Gene: RAB11A (RAB11A, member RAS oncogene family; plus strand). Cytogenetic location: 15q22.31.
Variant type: single nucleotide variant.
Coding change: c.265T>C on transcript NM_004663.5 (MANE Select); coding-DNA position 265, T replaced by C.
Protein change: p.Leu89=; no amino-acid change (leucine 89 retained).
Molecular consequence: synonymous variant.
Genome position (GRCh38, 1-based): chr15:65,877,790, T>C. VCF-style: chr15-65877790-T-C. GRCh37 (hg19) VCF-style: chr15-66170128-T-C.
Other names: c.265T>C, p.Leu89= (NM_001206836.2); c.265T>C (NM_004663.4).
Identifiers: ClinVar variation 1594426 (VCV001594426.12), dbSNP rs11556462, ClinGen allele CA7621571.
Genomic context (GRCh38, chr15:65,877,790, plus strand): 5'-TTTTCTGATACTAAATATGTTTCTGTTTTCAGATATTATCGTGGAGCTGTAGGTGCCTTA[T>C]TGGTTTATGACATTGCTAAACATCTCACATATGAAAATGTAGAGCGATGGCTGAAAGAAC-3'
Protein context (NP_004654.1, residues 79-99): AYYRGAVGAL[Leu89=]VYDIAKHLTY

ClinVar aggregate classification (germline): Benign/Likely benign. Review status: criteria provided, multiple submitters, no conflicts (2 of 4 stars). 4 submissions from 4 submitters: Benign (2); Likely benign (1). 1 of the submissions does not count toward it. Last evaluated 2026-02-03.

Conditions:
RAB11A-related disorder. Also called: RAB11A-related condition.

Allele frequency attached by ClinVar (database versions not stated): 1000 Genomes Project 30x 0.00109; 1000 Genomes Project 0.00120; gnomAD exomes 0.00205 and 0.00303; ExAC 0.00227; gnomAD 0.00235 and 0.00242; TOPMed 0.00237; ESP Exome Variant Server 0.00292.
gnomAD v4.1: 4,744 of 1,609,110 alleles (0.29%); highest among the groups gnomAD compares: Non-Finnish European, 0.37%; 9 homozygotes.

Submissions (4):

Labcorp Genetics (formerly Invitae), Labcorp
Classification: Benign. Last evaluated: 2026-02-03. Review status: criteria provided, single submitter. Criteria: Invitae Variant Classification Sherloc (09022015). Collection method: clinical testing. Allele origin: germline.

Blueprint Genetics
Classification: Likely benign. Last evaluated: 2024-11-27. Review status: criteria provided, single submitter. Criteria: ACMG Guidelines, 2015. Collection method: clinical testing. Allele origin: germline.

Breakthrough Genomics
Classification: Benign. Review status: criteria provided, single submitter. Criteria: ACMG Guidelines, 2015. Collection method: not provided. Allele origin: germline. Inheritance: Unknown mechanism. Affected: yes.

PreventionGenetics, part of Exact Sciences
Classification: Likely benign for RAB11A-related condition. Last evaluated: 2019-04-26. Review status: no assertion criteria provided. Collection method: clinical testing. Allele origin: germline. Not counted in ClinVar's aggregate classification.
Comment: This variant is classified as likely benign based on ACMG/AMP sequence variant interpretation guidelines (Richards et al. 2015 PMID: 25741868, with internal and published modifications).